The following is an entry in ClinVar:

ClinVar aggregate classification (germline): Likely benign. Review status: criteria provided, multiple submitters, no conflicts (2 of 4 stars). 4 submissions from 4 submitters: Likely benign (4). Last evaluated 2026-02-03.

Conditions:
NTHL1-related disorder. Also called: NTHL1-related conditions; NTHL1-related condition.
Hereditary cancer-predisposing syndrome. Also called: Tumor predisposition; Hereditary Cancer Syndrome; Neoplastic Syndromes, Hereditary; Hereditary neoplastic syndrome. Identifiers: Orphanet 140162, MedGen C0027672, MeSH D009386, MONDO:0015356.

gnomAD v4.1: 1 of 1,613,456 alleles (0.000062%); highest among the groups gnomAD compares: African/African-American, 0.0013%; no homozygotes.

Submissions (4):

PreventionGenetics, part of Exact Sciences
Classification: Likely benign for NTHL1-related condition. Last evaluated: 2026-02-03. Review status: criteria provided, single submitter. Criteria: ACMG Guidelines, 2015. Collection method: clinical testing. Allele origin: germline.
Comment: This variant is classified as likely benign based on ACMG/AMP sequence variant interpretation guidelines (Richards et al. 2015 PMID: 25741868, with internal and published modifications).

Labcorp Genetics (formerly Invitae), Labcorp
Classification: Likely benign. Last evaluated: 2025-07-31. Review status: criteria provided, single submitter. Criteria: Invitae Variant Classification Sherloc (09022015). Collection method: clinical testing. Allele origin: germline.

Blueprint Genetics
Classification: Likely benign. Last evaluated: 2024-08-05. Review status: criteria provided, single submitter. Criteria: ACMG Guidelines, 2015. Collection method: clinical testing. Allele origin: germline.

Ambry Genetics
Classification: Likely benign for Hereditary cancer-predisposing syndrome. Last evaluated: 2023-07-12. Review status: criteria provided, single submitter. Criteria: Ambry Variant Classification Scheme 2023. Collection method: clinical testing. Allele origin: germline.

NM_002528.7(NTHL1):c.690G>C (p.Val230=)

Gene: NTHL1 (nth like DNA glycosylase 1; minus strand). Cytogenetic location: 16p13.3.
Variant type: single nucleotide variant.
Coding change: c.690G>C on transcript NM_002528.7 (MANE Select); coding-DNA position 690, G replaced by C.
Protein change: p.Val230=; no amino-acid change (valine 230 retained).
Molecular consequence: synonymous variant.
Genome position (GRCh38, 1-based): chr16:2,040,234, C>G on the plus strand (G>C on the coding strand, the complement: NTHL1 is on the minus strand). VCF-style: chr16-2040234-C-G. GRCh37 (hg19) VCF-style: chr16-2090235-C-G.
Other names: c.714G>C (NM_002528.6, NM_002528.5); c.519G>C, p.Val173= (NM_001318193.2); c.360G>C, p.Val120= (NM_001318194.2).
Identifiers: ClinVar variation 1099356 (VCV001099356.12), dbSNP rs756156987, ClinGen allele CA492950301.
Genomic context (GRCh38, chr16:2,040,234, plus strand): 5'-GGACTTGGTTGCCTTCTTGGTCCACCTCAGCCTGTTGGCGATTCTGTGCACATGCGTGTC[C>G]ACTGCTGCTGGGAGGCCAAGCGGGGTGAACAGGGGCACACTCCACCAGCCTAGCCCGTGC-3'
Protein context (NP_002519.2, residues 220-240): VAWGTVSGIA[Val230=]DTHVHRIANR